The following is an entry in ClinVar:

ClinVar aggregate classification (germline): Uncertain significance. Review status: criteria provided, multiple submitters, no conflicts (2 of 4 stars). 2 submissions from 2 submitters: Uncertain significance (2). Last evaluated 2025-03-20.

Conditions:
Charcot-Marie-Tooth disease axonal type 2C (HMSN2C). Also called: Charcot-Marie-Tooth Disease Type 2, TRPV4-Related (CMT2C); CHARCOT-MARIE-TOOTH DISEASE, AXONAL, AUTOSOMAL DOMINANT, TYPE 2C; Charcot-Marie-Tooth Neuropathy Type 2C. Identifiers: Orphanet 99937, MedGen C1853710, MONDO:0011633, OMIM 606071.

Allele frequency attached by ClinVar (database versions not stated): TOPMed 0.00003; gnomAD 0.00001; ExAC 0.00002; gnomAD exomes 0.00002.
gnomAD v4.1: 16 of 1,614,012 alleles (0.00099%); highest among the groups gnomAD compares: East Asian, 0.018%; no homozygotes.

Submissions (2):

Labcorp Genetics (formerly Invitae), Labcorp
Classification: Uncertain significance for Charcot-Marie-Tooth disease axonal type 2C. Last evaluated: 2025-03-20. Review status: criteria provided, single submitter. Criteria: Invitae Variant Classification Sherloc (09022015). Collection method: clinical testing. Allele origin: germline.
Comment: This sequence change replaces arginine, which is basic and polar, with histidine, which is basic and polar, at codon 114 of the TRPV4 protein (p.Arg114His). This variant is present in population databases (rs780302795, gnomAD 0.01%). This missense change has been observed in individual(s) with clinical features of TRPV4-related conditions (internal data). ClinVar contains an entry for this variant (Variation ID: 834896). Invitae Evidence Modeling of protein sequence and biophysical properties (such as structural, functional, and spatial information, amino acid conservation, physicochemical variation, residue mobility, and thermodynamic stability) indicates that this missense variant is not expected to disrupt TRPV4 protein function with a negative predictive value of 95%. In summary, the available evidence is currently insufficient to determine the role of this variant in disease. Therefore, it has been classified as a Variant of Uncertain Significance.

Mayo Clinic Laboratories, Mayo Clinic
Classification: Uncertain significance. Last evaluated: 2023-05-26. Review status: criteria provided, single submitter. Criteria: ACMG Guidelines, 2015. Collection method: clinical testing. Allele origin: germline. Observed: 1 variant allele.
Comment: BP4

NM_021625.5(TRPV4):c.341G>A (p.Arg114His)

Gene: TRPV4 (transient receptor potential cation channel subfamily V member 4; minus strand). Cytogenetic location: 12q24.11.
Variant type: single nucleotide variant.
Coding change: c.341G>A on transcript NM_021625.5 (MANE Select); coding-DNA position 341, G replaced by A.
Protein change: p.Arg114His; replaces arginine 114 with histidine.
Molecular consequence: missense variant.
Genome position (GRCh38, 1-based): chr12:109,814,456, C>T on the plus strand (G>A on the coding strand, the complement: TRPV4 is on the minus strand). VCF-style: chr12-109814456-C-T. GRCh37 (hg19) VCF-style: chr12-110252261-C-T.
Other names: p.Arg114His; c.239G>A, p.Arg80His (NM_001177431.2); c.341G>A, p.Arg114His (NM_001177433.2, NM_147204.3, NM_001177428.2); short protein forms R80H, R114H.
Identifiers: ClinVar variation 834896 (VCV000834896.10), dbSNP rs780302795, ClinGen allele CA6780576.
Genomic context (GRCh38, chr12:109,814,456, plus strand): 5'-GCTAACAATACTCACTCTATGATCTTCTTCCTCCACCTCTTGTTGTCACTGGAGTGGTGA[C>T]GATAGGTGCCGTAGTCAAACAGTGAGTCCATGGGTGCTTTCTTGGGCCCAGGCACCACCG-3'
Protein context (NP_067638.3, residues 104-124): MDSLFDYGTY[Arg114His]HHSSDNKRWR